The following is an entry in ClinVar:

NM_001080.3(ALDH5A1):c.27C>G (p.Ser9Arg)

Genes: ALDH5A1 (aldehyde dehydrogenase 5 family member A1; plus strand), GPLD1 (glycosylphosphatidylinositol specific phospholipase D1; minus strand), LOC129995978 (ATAC-STARR-seq lymphoblastoid silent region 16989; plus strand). Cytogenetic location: 6p22.3.
Variant type: single nucleotide variant.
Coding change: c.27C>G on transcript NM_001080.3 (MANE Select); coding-DNA position 27, C replaced by G.
Protein change: p.Ser9Arg; replaces serine 9 with arginine.
Molecular consequence: missense variant.
Genome position (GRCh38, 1-based): chr6:24,495,023, C>G. VCF-style: chr6-24495023-C-G. GRCh37 (hg19) VCF-style: chr6-24495251-C-G.
Other names: c.27C>G, p.Ser9Arg (NM_001368954.1, NM_170740.1); short protein forms S9R.
Identifiers: ClinVar variation 1921050 (VCV001921050.2), dbSNP rs968707357, ClinGen allele CA362968094.

ClinVar aggregate classification (germline): Uncertain significance (1 of 4 stars; one submission).

Conditions:
Succinate-semialdehyde dehydrogenase deficiency (SSADHD). Also called: 4-HYDROXYBUTYRIC ACIDURIA; GABA METABOLIC DEFECT; Succinic Semialdehyde Dehydrogenase Deficiency; SSADH DEFICIENCY. Identifiers: Orphanet 22, MedGen C0268631, MONDO:0010083, OMIM 271980.

Submission:

Labcorp Genetics (formerly Invitae), Labcorp
Classification: Uncertain significance for Succinate-semialdehyde dehydrogenase deficiency. Last evaluated: 2021-08-30. Review status: criteria provided, single submitter. Criteria: Invitae Variant Classification Sherloc (09022015). Collection method: clinical testing. Allele origin: germline.
Comment: This sequence change replaces serine with arginine at codon 9 of the ALDH5A1 protein (p.Ser9Arg). The serine residue is weakly conserved and there is a moderate physicochemical difference between serine and arginine. This variant is not present in population databases (ExAC no frequency). This variant has not been reported in the literature in individuals affected with ALDH5A1-related conditions. Advanced modeling of protein sequence and biophysical properties (such as structural, functional, and spatial information, amino acid conservation, physicochemical variation, residue mobility, and thermodynamic stability) performed at Invitae indicates that this missense variant is not expected to disrupt ALDH5A1 protein function. Algorithms developed to predict the effect of sequence changes on RNA splicing suggest that this variant may create or strengthen a splice site. In summary, the available evidence is currently insufficient to determine the role of this variant in disease. Therefore, it has been classified as a Variant of Uncertain Significance.